The following is an entry in ClinVar:

ClinVar aggregate classification (germline): Benign/Likely benign. Review status: criteria provided, multiple submitters, no conflicts (2 of 4 stars). 2 submissions from 2 submitters: Benign (1); Likely benign (1). Last evaluated 2026-03-11.

Conditions:
GATA binding protein 1 related thrombocytopenia with dyserythropoiesis. Also called: GATA1-Related Cytopenia; GATA1-Related X-Linked Cytopenia. Identifiers: MedGen C1845837, MONDO:0100089.
Diamond-Blackfan anemia. Also called: Blackfan Diamond syndrome; Aregenerative anemia chronic congenital; Red cell aplasia, pure hereditary; Congenital hypoplastic anemia; Aase syndrome. Identifiers: Orphanet 124, MedGen C1260899, MeSH D029503, MONDO:0015253, HP:0004810.
GATA1-related disorder. Also called: GATA1-related condition.

Allele frequency attached by ClinVar (database versions not stated): ExAC 0.00003; gnomAD exomes 0.00003 and 0.00004; TOPMed 0.00003; gnomAD 0.00006; 1000 Genomes Project 30x 0.00021; 1000 Genomes Project 0.00026.
gnomAD v4.1: 43 of 1,210,331 alleles (0.0036%); highest among the groups gnomAD compares: South Asian, 0.007%; no homozygotes.

Submissions (2):

PreventionGenetics, part of Exact Sciences
Classification: Likely benign for GATA1-related condition. Last evaluated: 2026-03-11. Review status: criteria provided, single submitter. Criteria: ACMG Guidelines, 2015. Collection method: clinical testing. Allele origin: germline.
Comment: This variant is classified as likely benign based on ACMG/AMP sequence variant interpretation guidelines (Richards et al. 2015 PMID: 25741868, with internal and published modifications).

Labcorp Genetics (formerly Invitae), Labcorp
Classification: Benign for GATA binding protein 1 related thrombocytopenia with dyserythropoiesis; Diamond-Blackfan anemia. Last evaluated: 2025-12-19. Review status: criteria provided, single submitter. Criteria: Invitae Variant Classification Sherloc (09022015). Collection method: clinical testing. Allele origin: germline.

NM_002049.4(GATA1):c.295G>A (p.Gly99Ser)

Gene: GATA1 (GATA binding protein 1; plus strand). Cytogenetic location: Xp11.23.
Variant type: single nucleotide variant.
Coding change: c.295G>A on transcript NM_002049.4 (MANE Select); coding-DNA position 295, G replaced by A.
Protein change: p.Gly99Ser; replaces glycine 99 with serine.
Molecular consequence: missense variant.
Genome position (GRCh38, 1-based): chrX:48,791,918, G>A. VCF-style: chrX-48791918-G-A. GRCh37 (hg19) VCF-style: chrX-48650325-G-A.
Other names: c.295G>A (NM_002049.3); short protein forms G99S.
Identifiers: ClinVar variation 1601793 (VCV001601793.9), dbSNP rs184815507, ClinGen allele CA10404582.